The following is an entry in ClinVar:

NM_024306.5(FA2H):c.565C>T (p.Arg189Ter)

Gene: FA2H (fatty acid 2-hydroxylase; minus strand). Cytogenetic location: 16q23.1.
Variant type: single nucleotide variant.
Coding change: c.565C>T on transcript NM_024306.5 (MANE Select); coding-DNA position 565, C replaced by T.
Protein change: p.Arg189Ter; replaces arginine 189 with a stop codon.
Molecular consequence: nonsense.
Genome position (GRCh38, 1-based): chr16:74,726,273, G>A on the plus strand (C>T on the coding strand, the complement: FA2H is on the minus strand). VCF-style: chr16-74726273-G-A. GRCh37 (hg19) VCF-style: chr16-74760171-G-A.
Other names: short protein forms R189*.
Identifiers: ClinVar variation 208728 (VCV000208728.10), dbSNP rs765086319, ClinGen allele CA204774.

ClinVar aggregate classification (germline): Pathogenic. Review status: criteria provided, multiple submitters, no conflicts (2 of 4 stars). 5 submissions from 5 submitters: Pathogenic (5). Last evaluated 2024-01-19.

Conditions:
Inborn genetic diseases. Identifiers: MedGen C0950123, MeSH D030342.
Hereditary spastic paraplegia 35. Also called: LEUKODYSTROPHY, DYSMYELINATING, AND SPASTIC PARAPARESIS WITH OR WITHOUT DYSTONIA; Spastic paraplegia 35, autosomal recessive; Spastic paraplegia 35; SPASTIC PARAPLEGIA 35, AUTOSOMAL RECESSIVE, WITH OR WITHOUT NEURODEGENERATION. Identifiers: Orphanet 171629, MedGen C3496228, MONDO:0012866, OMIM 612319.
Hereditary spastic paraplegia. Also called: Familial spastic paraparesis. Identifiers: Orphanet 685, MedGen C0037773, MONDO:0019064. Disease mechanism: loss of function.

Allele frequency attached by ClinVar (database versions not stated): ExAC 0.00001; gnomAD exomes 0.00002.
gnomAD v4.1: 9 of 1,614,068 alleles (0.00056%); highest among the groups gnomAD compares: Admixed American, 0.0033%; no homozygotes.

Submissions (5):

Women's Health and Genetics/Laboratory Corporation of America, LabCorp
Classification: Pathogenic for Hereditary spastic paraplegia 35. Last evaluated: 2024-01-19. Review status: criteria provided, single submitter. Criteria: LabCorp Variant Classification Summary - May 2015. Collection method: clinical testing. Allele origin: germline.
Comment: Variant summary: FA2H c.565C>T (p.Arg189X) results in a premature termination codon, predicted to cause a truncation of the encoded protein or absence of the protein due to nonsense mediated decay, which are commonly known mechanisms for disease. The variant allele was found at a frequency of 2e-05 in 251036 control chromosomes. c.565C>T has been reported in the literature in multiple individuals affected with Hereditary Spastic Paraplegia 35 (e.g., Farwell_2014). These data indicate that the variant is likely associated with disease. The following publication have been ascertained in the context of this evaluation (PMID: 25356970). ClinVar contains an entry for this variant (Variation ID: 208728). Based on the evidence outlined above, the variant was classified as pathogenic.

Athena Diagnostics
Classification: Pathogenic. Last evaluated: 2023-10-16. Review status: criteria provided, single submitter. Criteria: Athena Diagnostics Criteria. Collection method: clinical testing. Allele origin: unknown.
Comment: This variant is expected to result in the loss of a functional protein. The frequency of this variant in the general population is consistent with pathogenicity. This variant has been identified in at least one individual with clinical features associated with this gene.

Victorian Clinical Genetics Services, Murdoch Childrens Research Institute
Classification: Pathogenic for Hereditary spastic paraplegia 35. Last evaluated: 2019-08-28. Review status: criteria provided, single submitter. Criteria: ACMG Guidelines, 2015. Collection method: clinical testing. Allele origin: germline. Inheritance: Autosomal recessive inheritance. Affected: yes.
Comment: A heterozygous nonsense variant, NM_024306.4(FA2H):c.565C>T, has been identified in exon 4 of 7 of the FA2H gene. The variant is predicted to result in a premature stop codon at position 189 of the protein (NP_077282.3(FA2H):p.(Arg189*)). This variant is predicted to result in loss of protein function through nonsense mediated decay, which is a reported mechanism of pathogenicity for this gene. The variant is present in the gnomAD database at a frequency of 0.002% (5 heterozygotes, 0 homozygotes). The variant has been previously described as pathogenic in patient with spastic paraplegia 35 (ClinVar, Aguirre-Rodríguez, FJ. et al. (2015)). Many PTVs in this gene have also been reported as pathogenic (ClinVar, Bektaş, G. et al. (2017)). Based on the information available at the time of curation, this variant has been classified as PATHOGENIC.

Genome Diagnostics Laboratory, The Hospital for Sick Children
Classification: Pathogenic for Hereditary spastic paraplegia. Last evaluated: 2016-12-12. Review status: criteria provided, single submitter. Criteria: ACMG Guidelines, 2015. Collection method: clinical testing. Allele origin: germline. Affected: yes.

Ambry Genetics
Classification: Pathogenic for Inborn genetic diseases. Last evaluated: 2013-10-02. Review status: criteria provided, single submitter. Criteria: Ambry Autosomal Dominant and X-Linked criteria (10/2015). Collection method: clinical testing. Allele origin: germline. Observed: 1 variant allele.

Literature cited by the submitters: PubMed 25356970 (cited by Women's Health and Genetics/Laboratory Corporation of America, LabCorp); PubMed 26344562 (cited by Athena Diagnostics).